The following is an entry in ClinVar:

NM_001024630.4(RUNX2):c.1214_1217dup (p.Gly407fs)

Gene: RUNX2 (RUNX family transcription factor 2; plus strand). Cytogenetic location: 6p21.1.
Variant type: Duplication.
Coding change: c.1214_1217dup on transcript NM_001024630.4 (MANE Select); coding-DNA positions 1214 to 1217, 4 bases duplicated (CCTC; older notation c.1214_1217dupCCTC).
Protein change: p.Gly407fs; shifts the reading frame from glycine 407.
Molecular consequence: frameshift variant.
Genome position (GRCh38, 1-based): chr6:45,546,953-45,546,956, CCTC duplicated. VCF-style (leftmost placement, unchanged base first): chr6-45546952-A-ACCTC. GRCh37 (hg19) VCF-style: chr6-45514689-A-ACCTC.
Other names: c.1148_1151dup, p.Gly385fs (NM_001015051.4); c.1106_1109dup, p.Gly371fs (NM_001278478.2); c.1172_1175dup, p.Gly393fs (NM_001369405.1); short protein forms G407fs, G393fs, G371fs, G385fs.
Identifiers: ClinVar variation 1454458 (VCV001454458.8), dbSNP rs2150453876, ClinGen allele CA2573141098.

ClinVar aggregate classification (germline): Pathogenic (1 of 4 stars; one submission).

Submission:

Labcorp Genetics (formerly Invitae), Labcorp
Classification: Pathogenic. Last evaluated: 2021-01-28. Review status: criteria provided, single submitter. Criteria: Invitae Variant Classification Sherloc (09022015). Collection method: clinical testing. Allele origin: germline.
Comment: For these reasons, this variant has been classified as Pathogenic. This variant disrupts the C-terminus of the RUNX2 protein. Other variant(s) that disrupt this region (p.His417Leufs*72) have been determined to be pathogenic (PMID: 20648631, Invitae). This suggests that variants that disrupt this region of the protein are likely to be causative of disease. This variant has not been reported in the literature in individuals with RUNX2-related conditions. This variant is not present in population databases (ExAC no frequency). This sequence change creates a premature translational stop signal (p.Gly407Leufs*84) in the RUNX2 gene. While this is not anticipated to result in nonsense mediated decay, it is expected to disrupt the last 115 amino acid(s) of the RUNX2 protein.

Literature cited by the submitters: PubMed 20648631.